The following is an entry in ClinVar:

NM_133433.4(NIPBL):c.64+2_64+134del

Gene: NIPBL (NIPBL cohesin loading factor; plus strand). Cytogenetic location: 5p13.2.
Variant type: Deletion.
Coding change: c.64+2_64+134del on transcript NM_133433.4 (MANE Select); the canonical splice donor site of the intron after coding-DNA position 64 through 134 bases into the intron after coding-DNA position 64, 133 bases deleted.
Molecular consequence: splice donor variant.
Genome position (GRCh38, 1-based): chr5:36,953,762-36,953,894, 133 bases deleted. GRCh37 (hg19): chr5:36,953,864-36,953,996.
Other names: c.64+2_64+134del (NM_015384.5).
Identifiers: ClinVar variation 841447 (VCV000841447.1), dbSNP rs1740652803, ClinGen allele CA916082702.

ClinVar aggregate classification (germline): Pathogenic (1 of 4 stars; one submission).

Conditions:
Cornelia de Lange syndrome 1 (CDLS1). Also called: TYPUS DEGENERATIVUS AMSTELODAMENSIS; NIPBL-Related Cornelia de Lange Syndrome; Brachmann de Lange syndrome. Identifiers: Orphanet 199, MedGen C4551851, MONDO:0007387, OMIM 122470.

Submission:

Labcorp Genetics (formerly Invitae), Labcorp
Classification: Pathogenic for Cornelia de Lange syndrome 1. Last evaluated: 2019-02-14. Review status: criteria provided, single submitter. Criteria: Invitae Variant Classification Sherloc (09022015). Collection method: clinical testing. Allele origin: germline.
Comment: This sequence change affects a donor splice site in intron 2 of the NIPBL gene. It is expected to disrupt RNA splicing and likely results in an absent or disrupted protein product. This variant is not present in population databases (ExAC no frequency). Disruption of this splice site has been observed in several individuals affected with Cornelia de Lange syndrome (PMID: 15591270, 25574841, 22581668, 26701315). Donor and acceptor splice site variants typically lead to a loss of protein function (PMID: 16199547), and loss-of-function variants in NIPBL are known to be pathogenic (PMID: 15318302, 19763162, 23505322, 29995837). For these reasons, this variant has been classified as Pathogenic.

Literature cited by the submitters: PubMed 22581668; PubMed 15591270; PubMed 26701315; PubMed 15318302; PubMed 19763162; PubMed 29995837; PubMed 23505322; PubMed 25574841.